The following is an entry in ClinVar:

ClinVar aggregate classification (germline): Pathogenic (1 of 4 stars; one submission).

Conditions:
Glycogen storage disease, type VII (GSD7). Also called: GSD VII; MUSCLE PHOSPHOFRUCTOKINASE DEFICIENCY; PFKM DEFICIENCY; TARUI DISEASE. Identifiers: Orphanet 371, MedGen C0017926, MONDO:0009295, OMIM 232800.

Submission:

Myriad Genetics, Inc.
Classification: Pathogenic for Glycogen storage disease, type VII. Last evaluated: 2023-09-27. Review status: criteria provided, single submitter. Criteria: Myriad Autosomal Dominant, Autosomal Recessive and X-Linked Classification Criteria (2023). Collection method: clinical testing. Allele origin: unknown.
Comment: NM_001166686.1(PFKM):c.782dupA(D261Efs*43) is expected to be pathogenic in the context of glycogen storage disease, PFKM-related. This variant is predicted to lead to an abnormal or absent protein product due to the creation of a premature termination codon in PFKM, a gene where loss-of-function variants are known to be pathogenic. Please note: this variant was assessed in the context of healthy population screening.

NM_000289.6(PFKM):c.569dup (p.Asp190fs)

Gene: PFKM (phosphofructokinase, muscle; plus strand). Cytogenetic location: 12q13.11.
Variant type: Duplication.
Coding change: c.569dup on transcript NM_000289.6 (MANE Select); coding-DNA position 569, one base duplicated (A; older notation c.569dupA).
Protein change: p.Asp190fs; shifts the reading frame from aspartic acid 190.
Molecular consequence: frameshift variant. On other transcripts: non-coding transcript variant (6).
Genome position (GRCh38, 1-based): chr12:48,133,456, A duplicated. VCF-style (leftmost placement, unchanged base first): chr12-48133455-G-GA. GRCh37 (hg19) VCF-style: chr12-48527238-G-GA.
Other names: c.782dup, p.Asp261fs (NM_001166686.2, NM_001354737.1, NM_001354738.1 and 2 more transcripts); c.569dup, p.Asp190fs (NM_001166687.2, NM_001166688.2, NM_001354742.2 and 4 more transcripts); c.878dup, p.Asp293fs (NM_001354735.1, NM_001354736.1); c.713dup, p.Asp238fs (NM_001354740.1); c.593dup, p.Asp198fs (NM_001354741.2); c.482dup, p.Asp161fs (NM_001354745.2); c.419dup, p.Asp140fs (NM_001354747.2, NM_001354748.2); short protein forms D140fs, D161fs, D190fs, D198fs, D238fs, D261fs, D293fs.
Identifiers: ClinVar variation 5012081 (VCV005012081.1).
Genomic context (GRCh38, chr12:48,133,455, plus strand): 5'-TGTGGCACCGATATGACCATTGGCACTGACTCTGCCCTGCATCGGATCATGGAAATTGTA[G>GA]ATGCCATCACTACCACTGCCCAGAGGTAAGGGGACTTGGGAGGTAGGCAGTGTAAGAAGA-3'